The following is an entry in ClinVar:

NM_004369.4(COL6A3):c.3414C>T (p.Val1138=)

Gene: COL6A3 (collagen type VI alpha 3 chain; minus strand). Cytogenetic location: 2q37.3.
Variant type: single nucleotide variant.
Coding change: c.3414C>T on transcript NM_004369.4 (MANE Select); coding-DNA position 3414, C replaced by T.
Protein change: p.Val1138=; no amino-acid change (valine 1138 retained).
Molecular consequence: synonymous variant.
Genome position (GRCh38, 1-based): chr2:237,374,677, G>A on the plus strand (C>T on the coding strand, the complement: COL6A3 is on the minus strand). VCF-style: chr2-237374677-G-A. GRCh37 (hg19) VCF-style: chr2-238283320-G-A.
Other names: c.3414C>T (NM_004369.3); c.2193C>T, p.Val731= (NM_057164.5); c.2796C>T, p.Val932= (NM_057165.5, NM_057167.4); c.1593C>T, p.Val531= (NM_057166.5).
Identifiers: ClinVar variation 1096990 (VCV001096990.12), dbSNP rs1022815311, ClinGen allele CA67823548.
Genomic context (GRCh38, chr2:237,374,677, plus strand): 5'-ACCCCTCTTCACGACCACGGAGGGGTTCCGCACATCATCCCCAGACCTGTCGGCCGTGAG[G>A]ACGATCAGCAGCTGGGGCACACCTTCTGTTATCCTGCTTCCCGCAGAGCTGACCAGGATG-3'
Protein context (NP_004360.2, residues 1128-1148): ITEGVPQLLI[Val1138=]LTADRSGDDV

ClinVar aggregate classification (germline): Likely benign. Review status: criteria provided, multiple submitters, no conflicts (2 of 4 stars). 3 submissions from 3 submitters: Likely benign (2). 1 of the submissions does not count toward it. Last evaluated 2026-04-24.

Conditions:
COL6A3-related disorder. Also called: COL6A3-related disorders; COL6A3-related condition.
Bethlem myopathy 1A. Also called: MYOPATHY, BENIGN CONGENITAL, WITH CONTRACTURES; Bethlem Muscular Dystrophy; Bethlem myopathy 1. Identifiers: Orphanet 610, MedGen CN029274, MONDO:0024530, OMIM 158810.

Allele frequency attached by ClinVar (database versions not stated): gnomAD 0.00001; gnomAD exomes 0.00001; TOPMed 0.00002.
gnomAD v4.1: 8 of 1,613,764 alleles (0.0005%); highest among the groups gnomAD compares: Middle Eastern, 0.016%; no homozygotes.

Submissions (3):

Women's Health and Genetics/Laboratory Corporation of America, LabCorp
Classification: Likely benign. Last evaluated: 2026-04-24. Review status: criteria provided, single submitter. Criteria: LabCorp Variant Classification Summary - May 2015. Collection method: clinical testing. Allele origin: germline.

Labcorp Genetics (formerly Invitae), Labcorp
Classification: Likely benign for Bethlem myopathy 1A. Last evaluated: 2022-11-17. Review status: criteria provided, single submitter. Criteria: Invitae Variant Classification Sherloc (09022015). Collection method: clinical testing. Allele origin: germline.

PreventionGenetics, part of Exact Sciences
Classification: Likely benign for COL6A3-related condition. Last evaluated: 2020-05-20. Review status: no assertion criteria provided. Collection method: clinical testing. Allele origin: germline. Not counted in ClinVar's aggregate classification.
Comment: This variant is classified as likely benign based on ACMG/AMP sequence variant interpretation guidelines (Richards et al. 2015 PMID: 25741868, with internal and published modifications).